The following is an entry in ClinVar:

ClinVar aggregate classification (germline): Uncertain significance (1 of 4 stars; one submission).

Conditions:
Cardiovascular phenotype. Identifiers: MedGen CN230736.

Allele frequency attached by ClinVar (database versions not stated): gnomAD exomes below 0.00001; gnomAD 0.00001; TOPMed 0.00001.
gnomAD v4.1: 3 of 1,605,488 alleles (0.00019%); highest among the groups gnomAD compares: African/African-American, 0.0013%; no homozygotes.

Submission:

Ambry Genetics
Classification: Uncertain significance for Cardiovascular phenotype. Last evaluated: 2023-03-16. Review status: criteria provided, single submitter. Criteria: Ambry Variant Classification Scheme 2023. Collection method: clinical testing. Allele origin: germline.
Comment: The p.D77H variant (also known as c.229G>C), located in coding exon 1 of the TECRL gene, results from a G to C substitution at nucleotide position 229. The aspartic acid at codon 77 is replaced by histidine, an amino acid with similar properties. This amino acid position is conserved. In addition, the in silico prediction for this alteration is inconclusive. Since supporting evidence is limited at this time, the clinical significance of this alteration remains unclear.

NM_001010874.5(TECRL):c.229G>C (p.Asp77His)

Gene: TECRL (trans-2,3-enoyl-CoA reductase like; minus strand). Cytogenetic location: 4q13.1.
Variant type: single nucleotide variant.
Coding change: c.229G>C on transcript NM_001010874.5 (MANE Select); coding-DNA position 229, G replaced by C.
Protein change: p.Asp77His; replaces aspartic acid 77 with histidine.
Molecular consequence: missense variant.
Genome position (GRCh38, 1-based): chr4:64,409,123, C>G on the plus strand (G>C on the coding strand, the complement: TECRL is on the minus strand). VCF-style: chr4-64409123-C-G. GRCh37 (hg19) VCF-style: chr4-65274841-C-G.
Other names: c.229G>C, p.Asp77His (NM_001363796.1); short protein forms D77H.
Identifiers: ClinVar variation 2564181 (VCV002564181.2), dbSNP rs1187463858, ClinGen allele CA357148611.